The following is an entry in ClinVar:

ClinVar aggregate classification (germline): Uncertain significance (1 of 4 stars; one submission).

Conditions:
Familial hypercholesterolemia. Also called: Familial hypercholesterolaemia. Identifiers: MedGen C0020445, MONDO:0005439.

Allele frequency attached by ClinVar (database versions not stated): gnomAD 0.00001; TOPMed 0.00002.

Submission:

Color Diagnostics, LLC DBA Color Health
Classification: Uncertain significance for Familial hypercholesterolemia. Last evaluated: 2019-02-04. Review status: criteria provided, single submitter. Criteria: ACMG Guidelines, 2015. Collection method: clinical testing. Allele origin: germline.
Comment: Variant of Uncertain Significance due to insufficient evidence: This missense variant (also known as p.Leu10Gln in the mature protein) replaces leucine with glutamine at codon 37 of the APOB protein. Computational prediction tools and conservation analyses suggest that this variant may not impact the protein function. Computational splicing tools suggest that this variant may not impact RNA splicing. To our knowledge, functional assays have not been performed for this variant nor has this variant been reported in individuals affected with familial hypercholesterolemia in the literature. This variant is rare in the general population and has been identified in 0/277264 chromosomes by the Genome Aggregation Database (gnomAD). Available evidence is insufficient to determine the role of this variant in disease conclusively.

NM_000384.3(APOB):c.110T>A (p.Leu37Gln)

Genes: APOB (apolipoprotein B; minus strand), LOC106560211 (APOB 5' regulatory region; plus strand). Cytogenetic location: 2p24.1.
Variant type: single nucleotide variant.
Coding change: c.110T>A on transcript NM_000384.3 (MANE Select); coding-DNA position 110, T replaced by A.
Protein change: p.Leu37Gln; replaces leucine 37 with glutamine.
Molecular consequence: missense variant.
Genome position (GRCh38, 1-based): chr2:21,043,524, A>T on the plus strand (T>A on the coding strand, the complement: APOB is on the minus strand). VCF-style: chr2-21043524-A-T. GRCh37 (hg19) VCF-style: chr2-21266396-A-T.
Other names: short protein forms L37Q.
Identifiers: ClinVar variation 923853 (VCV000923853.3), dbSNP rs749171742, ClinGen allele CA345965825.